The following is an entry in ClinVar:

NM_001267550.2(TTN):c.94771G>C (p.Gly31591Arg)

Genes: TTN (titin; minus strand), TTN-AS1 (TTN antisense RNA 1; plus strand). Cytogenetic location: 2q31.2.
Variant type: single nucleotide variant.
Coding change: c.94771G>C on transcript NM_001267550.2 (MANE Select); coding-DNA position 94771, G replaced by C.
Protein change: p.Gly31591Arg; replaces glycine 31591 with arginine.
Molecular consequence: missense variant.
Genome position (GRCh38, 1-based): chr2:178,546,657, C>G on the plus strand (G>C on the coding strand, the complement: TTN is on the minus strand). VCF-style: chr2-178546657-C-G. GRCh37 (hg19) VCF-style: chr2-179411384-C-G.
Other names: c.89848G>C, p.Gly29950Arg (NM_001256850.1); c.67576G>C, p.Gly22526Arg (NM_003319.4); c.87067G>C, p.Gly29023Arg (NM_133378.4); c.67951G>C, p.Gly22651Arg (NM_133432.3); c.68152G>C, p.Gly22718Arg (NM_133437.4); short protein forms G22651R, G22718R, G22526R, G29023R, G29950R, G31591R.
Identifiers: ClinVar variation 1030167 (VCV001030167.4), dbSNP rs1697305563, ClinGen allele CA349470519.

ClinVar aggregate classification (germline): Uncertain significance. Review status: criteria provided, multiple submitters, no conflicts (2 of 4 stars). 2 submissions from 2 submitters: Uncertain significance (2). Last evaluated 2022-05-11.

Conditions:
Myopathy, myofibrillar, 9, with early respiratory failure (MFM9). Also called: Myopathy, distal, with early respiratory failure, autosomal dominant; EDSTROM MYOPATHY; MYOPATHY, PROXIMAL, WITH EARLY RESPIRATORY MUSCLE INVOLVEMENT; Hereditary myopathy with early respiratory failure. Identifiers: Orphanet 178464, Orphanet 34521, MedGen C1863599, MONDO:0011362, OMIM 603689.

Allele frequency attached by ClinVar (database versions not stated): gnomAD exomes below 0.00001.
gnomAD v4.1: 2 of 1,613,742 alleles (0.00012%); highest among the groups gnomAD compares: Admixed American, 0.0017%; no homozygotes.

Submissions (2):

Revvity Omics, Revvity
Classification: Uncertain significance. Last evaluated: 2022-05-11. Review status: criteria provided, single submitter. Criteria: ACMG Guidelines, 2015. Collection method: clinical testing. Allele origin: germline.

Baylor Genetics
Classification: Uncertain significance for Myopathy, myofibrillar, 9, with early respiratory failure. Last evaluated: 2019-02-01. Review status: criteria provided, single submitter. Criteria: ACMG Guidelines, 2015. Collection method: clinical testing. Allele origin: maternal. Affected: yes.
Comment: This variant was determined to be of uncertain significance according to ACMG Guidelines, 2015 [PMID:25741868].